The following is an entry in ClinVar:

NM_000143.4(FH):c.1499G>C (p.Trp500Ser)

Gene: FH (fumarate hydratase; minus strand). Cytogenetic location: 1q43.
Variant type: single nucleotide variant.
Coding change: c.1499G>C on transcript NM_000143.4 (MANE Select); coding-DNA position 1499, G replaced by C.
Protein change: p.Trp500Ser; replaces tryptophan 500 with serine.
Molecular consequence: missense variant.
Genome position (GRCh38, 1-based): chr1:241,497,862, C>G on the plus strand (G>C on the coding strand, the complement: FH is on the minus strand). VCF-style: chr1-241497862-C-G. GRCh37 (hg19) VCF-style: chr1-241661162-C-G.
Other names: short protein forms W500S.
Identifiers: ClinVar variation 3278752 (VCV003278752.3).
Genomic context (GRCh38, chr1:241,497,862, plus strand): 5'-TTATTTTCATTATAAATTTATGTAAATCACTTTGGACCCAGCATGTCCTTAGGTTTTACC[C>G]ATTCGTCAAACTGCTCTGCTGTGAGATAGCCAAGTTCGATAGCAGTTTCCTTTAAGGTTG-3'
Protein context (NP_000134.2, residues 490-510): GYLTAEQFDE[Trp500Ser]VKPKDMLGPK

ClinVar aggregate classification (germline): Uncertain significance. Review status: criteria provided, multiple submitters, no conflicts (2 of 4 stars). 2 submissions from 2 submitters: Uncertain significance (2). Last evaluated 2024-05-24.

Conditions:
Hereditary cancer-predisposing syndrome. Also called: Tumor predisposition; Hereditary Cancer Syndrome; Hereditary neoplastic syndrome; Neoplastic Syndromes, Hereditary. Identifiers: Orphanet 140162, MedGen C0027672, MeSH D009386, MONDO:0015356.

Submissions (2):

Ambry Genetics
Classification: Uncertain significance for Hereditary cancer-predisposing syndrome. Last evaluated: 2024-05-24. Review status: criteria provided, single submitter. Criteria: Ambry Variant Classification Scheme 2023. Collection method: clinical testing. Allele origin: germline.
Comment: The p.W500S variant (also known as c.1499G>C), located in coding exon 10 of the FH gene, results from a G to C substitution at nucleotide position 1499. The tryptophan at codon 500 is replaced by serine, an amino acid with highly dissimilar properties. This amino acid position is conserved. In addition, this alteration is predicted to be deleterious by in silico analysis. Based on the available evidence, the clinical significance of this variant remains unclear.

Labcorp Genetics (formerly Invitae), Labcorp
Classification: Uncertain significance. Last evaluated: 2024-02-19. Review status: criteria provided, single submitter. Criteria: Invitae Variant Classification Sherloc (09022015). Collection method: clinical testing. Allele origin: germline.
Comment: This sequence change replaces tryptophan, which is neutral and slightly polar, with serine, which is neutral and polar, at codon 500 of the FH protein (p.Trp500Ser). This variant is not present in population databases (gnomAD no frequency). This variant has not been reported in the literature in individuals affected with FH-related conditions. Advanced modeling of protein sequence and biophysical properties (such as structural, functional, and spatial information, amino acid conservation, physicochemical variation, residue mobility, and thermodynamic stability) performed at Invitae indicates that this missense variant is expected to disrupt FH protein function with a positive predictive value of 95%. Algorithms developed to predict the effect of sequence changes on RNA splicing suggest that this variant may create or strengthen a splice site. In summary, the available evidence is currently insufficient to determine the role of this variant in disease. Therefore, it has been classified as a Variant of Uncertain Significance.